The following is an entry in ClinVar:

ClinVar aggregate classification (germline): Uncertain significance (1 of 4 stars; one submission).

gnomAD v4.1: 1 of 1,596,878 alleles (0.000063%); highest among the groups gnomAD compares: African/African-American, 0.0013%; no homozygotes.

Submission:

Labcorp Genetics (formerly Invitae), Labcorp
Classification: Uncertain significance. Last evaluated: 2024-08-19. Review status: criteria provided, single submitter. Criteria: Invitae Variant Classification Sherloc (09022015). Collection method: clinical testing. Allele origin: germline.
Comment: This sequence change replaces glutamic acid, which is acidic and polar, with lysine, which is basic and polar, at codon 1790 of the RAI1 protein (p.Glu1790Lys). This variant is not present in population databases (gnomAD no frequency). This variant has not been reported in the literature in individuals affected with RAI1-related conditions. Invitae Evidence Modeling of protein sequence and biophysical properties (such as structural, functional, and spatial information, amino acid conservation, physicochemical variation, residue mobility, and thermodynamic stability) indicates that this missense variant is not expected to disrupt RAI1 protein function with a negative predictive value of 80%. In summary, the available evidence is currently insufficient to determine the role of this variant in disease. Therefore, it has been classified as a Variant of Uncertain Significance.

NM_030665.4(RAI1):c.5368G>A (p.Glu1790Lys)

Gene: RAI1 (retinoic acid induced 1; plus strand). Cytogenetic location: 17p11.2.
Variant type: single nucleotide variant.
Coding change: c.5368G>A on transcript NM_030665.4 (MANE Select); coding-DNA position 5368, G replaced by A.
Protein change: p.Glu1790Lys; replaces glutamic acid 1790 with lysine.
Molecular consequence: missense variant.
Genome position (GRCh38, 1-based): chr17:17,798,316, G>A. VCF-style: chr17-17798316-G-A. GRCh37 (hg19) VCF-style: chr17-17701630-G-A.
Other names: short protein forms E1790K.
Identifiers: ClinVar variation 3702799 (VCV003702799.2).